The following is an entry in ClinVar:

ClinVar aggregate classification (germline): Uncertain significance (1 of 4 stars; one submission).

gnomAD v4.1: 3 of 1,613,436 alleles (0.00019%); highest among the groups gnomAD compares: Non-Finnish European, 0.00025%; no homozygotes.

Submission:

Labcorp Genetics (formerly Invitae), Labcorp
Classification: Uncertain significance. Last evaluated: 2026-01-12. Review status: criteria provided, single submitter. Criteria: Invitae Variant Classification Sherloc (09022015). Collection method: clinical testing. Allele origin: germline.
Comment: This sequence change creates a premature translational stop signal (p.Ser739*) in the GLIS3 gene. While this is not anticipated to result in nonsense mediated decay, it is expected to disrupt the last 37 amino acid(s) of the GLIS3 protein. This variant is present in population databases (no rsID available, gnomAD 0.003%). This variant has not been reported in the literature in individuals affected with GLIS3-related conditions. Experimental studies and prediction algorithms are not available or were not evaluated, and the functional significance of this variant is currently unknown. In summary, the available evidence is currently insufficient to determine the role of this variant in disease. Therefore, it has been classified as a Variant of Uncertain Significance.

NM_001042413.2(GLIS3):c.2681C>A (p.Ser894Ter)

Gene: GLIS3 (GLIS family zinc finger 3; minus strand). Cytogenetic location: 9p24.2.
Variant type: single nucleotide variant.
Coding change: c.2681C>A on transcript NM_001042413.2 (MANE Select); coding-DNA position 2681, C replaced by A.
Protein change: p.Ser894Ter; replaces serine 894 with a stop codon.
Molecular consequence: nonsense.
Genome position (GRCh38, 1-based): chr9:3,828,384, G>T on the plus strand (C>A on the coding strand, the complement: GLIS3 is on the minus strand). VCF-style: chr9-3828384-G-T. GRCh37 (hg19) VCF-style: chr9-3828384-G-T.
Other names: c.2681C>A, p.Ser894Ter (NM_001438906.1, NM_001438907.1, NM_001438908.1); c.2216C>A, p.Ser739Ter (NM_001438909.1, NM_152629.4); c.2015C>A, p.Ser672Ter (NM_001438911.1, NM_001438912.1); short protein forms S672*, S739*, S894*.
Identifiers: ClinVar variation 4699950 (VCV004699950.1).
Genomic context (GRCh38, chr9:3,828,384, plus strand): 5'-CTGATCTGCAAGAAGGTAGCATCTTCAGCCCCGCTGCGGAGAGACTCCCCAAAGAGGCTC[G>T]AGGAACTTGAAGGTAAATCATACACTGGAAGAGAAAGAACGCAGTTAAGTCAGTAACTCC-3'